The following is an entry in ClinVar:

ClinVar aggregate classification (germline): Uncertain significance (1 of 4 stars; one submission).

Submission:

Labcorp Genetics (formerly Invitae), Labcorp
Classification: Uncertain significance. Last evaluated: 2024-12-31. Review status: criteria provided, single submitter. Criteria: Invitae Variant Classification Sherloc (09022015). Collection method: clinical testing. Allele origin: germline.
Comment: This sequence change replaces histidine, which is basic and polar, with arginine, which is basic and polar, at codon 116 of the PEPD protein (p.His116Arg). This variant is not present in population databases (gnomAD no frequency). This variant has not been reported in the literature in individuals affected with PEPD-related conditions. ClinVar contains an entry for this variant (Variation ID: 2063363). Invitae Evidence Modeling of protein sequence and biophysical properties (such as structural, functional, and spatial information, amino acid conservation, physicochemical variation, residue mobility, and thermodynamic stability) indicates that this missense variant is not expected to disrupt PEPD protein function with a negative predictive value of 95%. In summary, the available evidence is currently insufficient to determine the role of this variant in disease. Therefore, it has been classified as a Variant of Uncertain Significance.

NM_000285.4(PEPD):c.347A>G (p.His116Arg)

Gene: PEPD (peptidase D; minus strand). Cytogenetic location: 19q13.11.
Variant type: single nucleotide variant.
Coding change: c.347A>G on transcript NM_000285.4 (MANE Select); coding-DNA position 347, A replaced by G.
Protein change: p.His116Arg; replaces histidine 116 with arginine.
Molecular consequence: missense variant. On other transcripts: intron variant (1).
Genome position (GRCh38, 1-based): chr19:33,500,984, T>C on the plus strand (A>G on the coding strand, the complement: PEPD is on the minus strand). VCF-style: chr19-33500984-T-C. GRCh37 (hg19) VCF-style: chr19-33991890-T-C.
Other names: c.347A>G, p.His116Arg (NM_001166056.2); c.202-7647A>G (NM_001166057.2); short protein forms H116R.
Identifiers: ClinVar variation 2063363 (VCV002063363.3), dbSNP rs2513508857, ClinGen allele CA405231206.